The following is an entry in ClinVar:

NM_020754.4(ARHGAP31):c.2929A>C (p.Asn977His)

Gene: ARHGAP31 (Rho GTPase activating protein 31; plus strand). Cytogenetic location: 3q13.33.
Variant type: single nucleotide variant.
Coding change: c.2929A>C on transcript NM_020754.4 (MANE Select); coding-DNA position 2929, A replaced by C.
Protein change: p.Asn977His; replaces asparagine 977 with histidine.
Molecular consequence: missense variant.
Genome position (GRCh38, 1-based): chr3:119,414,858, A>C. VCF-style: chr3-119414858-A-C. GRCh37 (hg19) VCF-style: chr3-119133705-A-C.
Other names: short protein forms N977H.
Identifiers: ClinVar variation 1944087 (VCV001944087.5), dbSNP rs752272447, ClinGen allele CA2554125.

ClinVar aggregate classification (germline): Uncertain significance (1 of 4 stars; one submission).

Allele frequency attached by ClinVar (database versions not stated): ExAC 0.00002; gnomAD 0.00002; TOPMed 0.00002; gnomAD exomes 0.00006.
gnomAD v4.1: 96 of 1,614,118 alleles (0.0059%); highest among the groups gnomAD compares: Non-Finnish European, 0.008%; no homozygotes.

Submission:

Labcorp Genetics (formerly Invitae), Labcorp
Classification: Uncertain significance. Last evaluated: 2024-06-17. Review status: criteria provided, single submitter. Criteria: Invitae Variant Classification Sherloc (09022015). Collection method: clinical testing. Allele origin: germline.
Comment: This sequence change replaces asparagine, which is neutral and polar, with histidine, which is basic and polar, at codon 977 of the ARHGAP31 protein (p.Asn977His). This variant is present in population databases (rs752272447, gnomAD 0.004%). This variant has not been reported in the literature in individuals affected with ARHGAP31-related conditions. ClinVar contains an entry for this variant (Variation ID: 1944087). An algorithm developed to predict the effect of missense changes on protein structure and function (PolyPhen-2) suggests that this variant is likely to be disruptive. In summary, the available evidence is currently insufficient to determine the role of this variant in disease. Therefore, it has been classified as a Variant of Uncertain Significance.